The following is an entry in ClinVar:

ClinVar aggregate classification (germline): Uncertain significance (1 of 4 stars; one submission).

Conditions:
Lowe syndrome (OCRL). Also called: LOWE OCULOCEREBRORENAL SYNDROME; PHOSPHATIDYLINOSITOL 4,5-BISPHOSPHATE 5-PHOSPHATASE DEFICIENCY; Oculocerebrorenal Syndrome. Identifiers: Orphanet 534, MedGen C0028860, MONDO:0010645, OMIM 309000.

Submission:

Labcorp Genetics (formerly Invitae), Labcorp
Classification: Uncertain significance for Lowe syndrome. Last evaluated: 2024-04-04. Review status: criteria provided, single submitter. Criteria: Invitae Variant Classification Sherloc (09022015). Collection method: clinical testing. Allele origin: germline.
Comment: This sequence change replaces asparagine, which is neutral and polar, with threonine, which is neutral and polar, at codon 454 of the OCRL protein (p.Asn454Thr). This variant is not present in population databases (gnomAD no frequency). This variant has not been reported in the literature in individuals affected with OCRL-related conditions. Advanced modeling of protein sequence and biophysical properties (such as structural, functional, and spatial information, amino acid conservation, physicochemical variation, residue mobility, and thermodynamic stability) performed at Invitae indicates that this missense variant is not expected to disrupt OCRL protein function with a negative predictive value of 95%. In summary, the available evidence is currently insufficient to determine the role of this variant in disease. Therefore, it has been classified as a Variant of Uncertain Significance.

NM_000276.4(OCRL):c.1361A>C (p.Asn454Thr)

Gene: OCRL (OCRL inositol polyphosphate-5-phosphatase; plus strand). Cytogenetic location: Xq26.1.
Variant type: single nucleotide variant.
Coding change: c.1361A>C on transcript NM_000276.4 (MANE Select); coding-DNA position 1361, A replaced by C.
Protein change: p.Asn454Thr; replaces asparagine 454 with threonine.
Molecular consequence: missense variant.
Genome position (GRCh38, 1-based): chrX:129,567,258, A>C. VCF-style: chrX-129567258-A-C. GRCh37 (hg19) VCF-style: chrX-128701235-A-C.
Other names: c.1364A>C, p.Asn455Thr (NM_001318784.2); c.1361A>C, p.Asn454Thr (NM_001587.4); short protein forms N454T, N455T.
Identifiers: ClinVar variation 3648474 (VCV003648474.2).
Genomic context (GRCh38, chrX:129,567,258, plus strand): 5'-TCTCTTATATTAAGATAGTGTTATCCTGCTTATTTGATGCTTCTTTCTATCTGTAGCTAA[A>C]TATTCAGCGCACACAGAAAAAAGCTTTTGTTGACTTCAATGAAGGGGAAATCAAGTTCAT-3'
Protein context (NP_000267.2, residues 444-464): LQRLLKFDQL[Asn454Thr]IQRTQKKAFV